The following is an entry in ClinVar:

NM_001042492.3(NF1):c.3675G>A (p.Met1225Ile)

Gene: NF1 (neurofibromin 1; plus strand). Cytogenetic location: 17q11.2.
Variant type: single nucleotide variant.
Coding change: c.3675G>A on transcript NM_001042492.3 (MANE Select); coding-DNA position 3675, G replaced by A.
Protein change: p.Met1225Ile; replaces methionine 1225 with isoleucine.
Molecular consequence: missense variant.
Genome position (GRCh38, 1-based): chr17:31,233,180, G>A. VCF-style: chr17-31233180-G-A. GRCh37 (hg19) VCF-style: chr17-29560198-G-A.
Other names: c.3675G>A, p.Met1225Ile (NM_000267.4); short protein forms M1225I.
Identifiers: ClinVar variation 1733829 (VCV001733829.2), dbSNP rs2151435748, ClinGen allele CA398990587.

ClinVar aggregate classification (germline): Uncertain significance (1 of 4 stars; one submission).

Conditions:
Hereditary cancer-predisposing syndrome. Also called: Neoplastic Syndromes, Hereditary; Tumor predisposition; Hereditary Cancer Syndrome; Hereditary neoplastic syndrome. Identifiers: Orphanet 140162, MedGen C0027672, MeSH D009386, MONDO:0015356.
Cardiovascular phenotype. Identifiers: MedGen CN230736.

Submission:

Ambry Genetics
Classification: Uncertain significance for Cardiovascular phenotype; Hereditary cancer-predisposing syndrome. Last evaluated: 2022-09-13. Review status: criteria provided, single submitter. Criteria: Ambry Variant Classification Scheme 2023. Collection method: clinical testing. Allele origin: germline.
Comment: The p.M1225I variant (also known as c.3675G>A), located in coding exon 27 of the NF1 gene, results from a G to A substitution at nucleotide position 3675. The methionine at codon 1225 is replaced by isoleucine, an amino acid with highly similar properties. This amino acid position is conserved. In addition, this alteration is predicted to be deleterious by in silico analysis. Since supporting evidence is limited at this time, the clinical significance of this alteration remains unclear.